The following is an entry in ClinVar:

NM_012470.4(TNPO3):c.676G>A (p.Ala226Thr)

Gene: TNPO3 (transportin 3; minus strand). Cytogenetic location: 7q32.1.
Variant type: single nucleotide variant.
Coding change: c.676G>A on transcript NM_012470.4 (MANE Select); coding-DNA position 676, G replaced by A.
Protein change: p.Ala226Thr; replaces alanine 226 with threonine.
Molecular consequence: missense variant. On other transcripts: non-coding transcript variant (18), intron variant (1).
Genome position (GRCh38, 1-based): chr7:129,005,036, C>T on the plus strand (G>A on the coding strand, the complement: TNPO3 is on the minus strand). VCF-style: chr7-129005036-C-T. GRCh37 (hg19) VCF-style: chr7-128645090-C-T.
Other names: c.676G>A, p.Ala226Thr (NM_001191028.3, NM_001382216.1, NM_001382218.1 and 4 more transcripts); c.757G>A, p.Ala253Thr (NM_001382217.1); c.553-3802G>A (NM_001382221.1); short protein forms A226T, A253T.
Identifiers: ClinVar variation 2992806 (VCV002992806.3), dbSNP rs1294749180, ClinGen allele CA369241458.
Genomic context (GRCh38, chr7:129,005,036, plus strand): 5'-GATTGGCAGAAATACTTTGATAAATAAGGTCATTACTTACCAAAACCTCAAAAAGGAGTG[C>T]TAGTAATTTATTGTTAGCCATGAAGTTACTGTCCAAAACTCCCAAGTTAAACCAACTTCC-3'
Protein context (NP_036602.1, residues 216-236): SNFMANNKLL[Ala226Thr]LLFEVLQQDK

ClinVar aggregate classification (germline): Uncertain significance (1 of 4 stars; one submission).

Conditions:
Autosomal dominant limb-girdle muscular dystrophy type 1F (LGMDD2). Also called: Limb-girdle muscular dystrophy, type 1F; MUSCULAR DYSTROPHY, LIMB-GIRDLE, AUTOSOMAL DOMINANT 2. Identifiers: Orphanet 55595, MedGen C1842062, MONDO:0012034, OMIM 608423.

Allele frequency attached by ClinVar (database versions not stated): gnomAD exomes below 0.00001; TOPMed 0.00001.
gnomAD v4.1: 3 of 1,613,262 alleles (0.00019%); highest among the groups gnomAD compares: Non-Finnish European, 0.00025%; no homozygotes.

Submission:

Labcorp Genetics (formerly Invitae), Labcorp
Classification: Uncertain significance for Autosomal dominant limb-girdle muscular dystrophy type 1F. Last evaluated: 2024-01-18. Review status: criteria provided, single submitter. Criteria: Invitae Variant Classification Sherloc (09022015). Collection method: clinical testing. Allele origin: germline.
Comment: This sequence change replaces alanine, which is neutral and non-polar, with threonine, which is neutral and polar, at codon 226 of the TNPO3 protein (p.Ala226Thr). This variant is not present in population databases (gnomAD no frequency). This variant has not been reported in the literature in individuals affected with TNPO3-related conditions. Advanced modeling of protein sequence and biophysical properties (such as structural, functional, and spatial information, amino acid conservation, physicochemical variation, residue mobility, and thermodynamic stability) performed at Invitae indicates that this missense variant is not expected to disrupt TNPO3 protein function with a negative predictive value of 80%. In summary, the available evidence is currently insufficient to determine the role of this variant in disease. Therefore, it has been classified as a Variant of Uncertain Significance.